The following is an entry in ClinVar:

NM_001127644.2(GABRA1):c.190C>T (p.Arg64Cys)

Gene: GABRA1 (gamma-aminobutyric acid type A receptor subunit alpha1; plus strand). Cytogenetic location: 5q34.
Variant type: single nucleotide variant.
Coding change: c.190C>T on transcript NM_001127644.2 (MANE Select); coding-DNA position 190, C replaced by T.
Protein change: p.Arg64Cys; replaces arginine 64 with cysteine.
Molecular consequence: missense variant.
Genome position (GRCh38, 1-based): chr5:161,865,723, C>T. VCF-style: chr5-161865723-C-T. GRCh37 (hg19) VCF-style: chr5-161292729-C-T.
Other names: c.190C>T, p.Arg64Cys (NM_000806.5, NM_001127643.2, NM_001127645.2 and 1 more transcripts); short protein forms R64C.
Identifiers: ClinVar variation 951092 (VCV000951092.6), dbSNP rs1753807484, ClinGen allele CA362178493.

ClinVar aggregate classification (germline): Uncertain significance. Review status: criteria provided, multiple submitters, no conflicts (2 of 4 stars). 2 submissions from 2 submitters: Uncertain significance (2). Last evaluated 2023-01-06.

Conditions:
Idiopathic generalized epilepsy. Also called: Generalised epilepsy; EIG. Identifiers: MedGen C0270850, MONDO:0005579, OMIM 600669.
Epilepsy, idiopathic generalized, susceptibility to, 13. Also called: EPILEPSY, JUVENILE MYOCLONIC, SUSCEPTIBILITY TO, 5. Identifiers: Orphanet 307, Orphanet 64280, MedGen C4013473, MONDO:0012627, OMIM 611136.
Epilepsy, childhood absence 4 (ECA4). Also called: EPILEPSY, CHILDHOOD ABSENCE, SUSCEPTIBILITY TO, 4. Identifiers: Orphanet 307, MedGen C1970160.

gnomAD v4.1: 1 of 1,612,654 alleles (0.000062%); highest among the groups gnomAD compares: Non-Finnish European, 0.000085%; no homozygotes.

Submissions (2):

GeneDx
Classification: Uncertain significance. Last evaluated: 2023-01-06. Review status: criteria provided, single submitter. Criteria: GeneDx Variant Classification Process June 2021. Collection method: clinical testing. Allele origin: germline. Affected: yes.
Comment: Not observed at significant frequency in large population cohorts (gnomAD); In silico analysis supports that this missense variant has a deleterious effect on protein structure/function; Has not been previously published as pathogenic or benign to our knowledge

Labcorp Genetics (formerly Invitae), Labcorp
Classification: Uncertain significance for Epilepsy, childhood absence 4; Epilepsy, idiopathic generalized, susceptibility to, 13; Idiopathic generalized epilepsy. Last evaluated: 2021-08-26. Review status: criteria provided, single submitter. Criteria: Invitae Variant Classification Sherloc (09022015). Collection method: clinical testing. Allele origin: germline.